The following is an entry in ClinVar:

NM_002476.2(MYL4):c.566-4C>T

Gene: MYL4 (myosin light chain 4; plus strand). Cytogenetic location: 17q21.32.
Variant type: single nucleotide variant.
Coding change: c.566-4C>T on transcript NM_002476.2 (MANE Select); 4 bases into the intron before coding-DNA position 566, C replaced by T.
Molecular consequence: intron variant.
Genome position (GRCh38, 1-based): chr17:47,223,010, C>T. VCF-style: chr17-47223010-C-T. GRCh37 (hg19) VCF-style: chr17-45300376-C-T.
Other names: c.566-4C>T (NM_001002841.2).
Identifiers: ClinVar variation 705674 (VCV000705674.14), dbSNP rs2071439, ClinGen allele CA8622809.

ClinVar aggregate classification (germline): Benign/Likely benign. Review status: criteria provided, multiple submitters, no conflicts (2 of 4 stars). 3 submissions from 3 submitters: Benign (1); Likely benign (1). 1 of the submissions does not count toward it. Last evaluated 2026-01-06.

Conditions:
MYL4-related disorder. Also called: MYL4-related condition.
Atrial fibrillation, familial, 18 (ATFB18). Identifiers: MedGen C4310636, MONDO:0015001, OMIM 617280.

Allele frequency attached by ClinVar (database versions not stated): TOPMed 0.00017; gnomAD 0.00019 and 0.00069; gnomAD exomes 0.00024 and 0.00137; ExAC 0.00032; 1000 Genomes Project 30x 0.00297; 1000 Genomes Project 0.00379.
gnomAD v4.1: 2,036 of 1,614,100 alleles (0.13%); highest among the groups gnomAD compares: East Asian, 4.5%; 87 homozygotes.

Submissions (3):

Labcorp Genetics (formerly Invitae), Labcorp
Classification: Benign for Atrial fibrillation, familial, 18. Last evaluated: 2026-01-06. Review status: criteria provided, single submitter. Criteria: Invitae Variant Classification Sherloc (09022015). Collection method: clinical testing. Allele origin: germline.

Blueprint Genetics
Classification: Likely benign. Last evaluated: 2024-01-11. Review status: criteria provided, single submitter. Criteria: ACMG Guidelines, 2015. Collection method: clinical testing. Allele origin: germline.

PreventionGenetics, part of Exact Sciences
Classification: Likely benign for MYL4-related condition. Last evaluated: 2019-03-20. Review status: no assertion criteria provided. Collection method: clinical testing. Allele origin: germline. Not counted in ClinVar's aggregate classification.
Comment: This variant is classified as likely benign based on ACMG/AMP sequence variant interpretation guidelines (Richards et al. 2015 PMID: 25741868, with internal and published modifications).